The following is an entry in ClinVar:

NM_000350.3(ABCA4):c.3361G>C (p.Asp1121His)

Gene: ABCA4 (ATP binding cassette subfamily A member 4; minus strand). Cytogenetic location: 1p22.1.
Variant type: single nucleotide variant.
Coding change: c.3361G>C on transcript NM_000350.3 (MANE Select); coding-DNA position 3361, G replaced by C.
Protein change: p.Asp1121His; replaces aspartic acid 1121 with histidine.
Molecular consequence: missense variant.
Genome position (GRCh38, 1-based): chr1:94,041,370, C>G on the plus strand (G>C on the coding strand, the complement: ABCA4 is on the minus strand). VCF-style: chr1-94041370-C-G. GRCh37 (hg19) VCF-style: chr1-94506926-C-G.
Other names: c.3139G>C, p.Asp1047His (NM_001425324.1); short protein forms D1121H, D1047H.
Identifiers: ClinVar variation 1364391 (VCV001364391.8), dbSNP rs2101048716, ClinGen allele CA341291228.

ClinVar aggregate classification (germline): Uncertain significance (1 of 4 stars; one submission).

gnomAD v4.1: 1 of 1,614,060 alleles (0.000062%); highest among the groups gnomAD compares: Non-Finnish European, 0.000085%; no homozygotes.

Submission:

Labcorp Genetics (formerly Invitae), Labcorp
Classification: Uncertain significance. Last evaluated: 2021-01-13. Review status: criteria provided, single submitter. Criteria: Invitae Variant Classification Sherloc (09022015). Collection method: clinical testing. Allele origin: germline.
Comment: In summary, the available evidence is currently insufficient to determine the role of this variant in disease. Therefore, it has been classified as a Variant of Uncertain Significance. Advanced modeling of protein sequence and biophysical properties (such as structural, functional, and spatial information, amino acid conservation, physicochemical variation, residue mobility, and thermodynamic stability) performed at Invitae indicates that this missense variant is expected to disrupt ABCA4 protein function. This variant has not been reported in the literature in individuals with ABCA4-related conditions. This variant is not present in population databases (ExAC no frequency). This sequence change replaces aspartic acid with histidine at codon 1121 of the ABCA4 protein (p.Asp1121His). The aspartic acid residue is highly conserved and there is a moderate physicochemical difference between aspartic acid and histidine.